The following is an entry in ClinVar:

ClinVar aggregate classification (germline): Uncertain significance (1 of 4 stars; one submission).

Submission:

Labcorp Genetics (formerly Invitae), Labcorp
Classification: Uncertain significance. Last evaluated: 2022-07-26. Review status: criteria provided, single submitter. Criteria: Invitae Variant Classification Sherloc (09022015). Collection method: clinical testing. Allele origin: germline.
Comment: In summary, the available evidence is currently insufficient to determine the role of this variant in disease. Therefore, it has been classified as a Variant of Uncertain Significance. Algorithms developed to predict the effect of missense changes on protein structure and function (SIFT, PolyPhen-2, Align-GVGD) all suggest that this variant is likely to be tolerated. ClinVar contains an entry for this variant (Variation ID: 1347075). This variant has not been reported in the literature in individuals affected with SLC12A1-related conditions. This variant is not present in population databases (gnomAD no frequency). This sequence change replaces glycine, which is neutral and non-polar, with glutamic acid, which is acidic and polar, at codon 798 of the SLC12A1 protein (p.Gly798Glu).

NM_000338.3(SLC12A1):c.2393G>A (p.Gly798Glu)

Gene: SLC12A1 (solute carrier family 12 member 1; plus strand). Cytogenetic location: 15q21.1.
Variant type: single nucleotide variant.
Coding change: c.2393G>A on transcript NM_000338.3 (MANE Select); coding-DNA position 2393, G replaced by A.
Protein change: p.Gly798Glu; replaces glycine 798 with glutamic acid.
Molecular consequence: missense variant.
Genome position (GRCh38, 1-based): chr15:48,269,755, G>A. VCF-style: chr15-48269755-G-A. GRCh37 (hg19) VCF-style: chr15-48561952-G-A.
Other names: c.2393G>A, p.Gly798Glu (NM_001184832.2, NM_001384136.1); short protein forms G798E.
Identifiers: ClinVar variation 1347075 (VCV001347075.6), dbSNP rs1415449956, ClinGen allele CA392315959.